The following is an entry in ClinVar:

ClinVar aggregate classification (germline): Uncertain significance. Review status: criteria provided, multiple submitters, no conflicts (2 of 4 stars). 2 submissions from 2 submitters: Uncertain significance (2). Last evaluated 2024-04-16.

Conditions:
Hereditary cancer-predisposing syndrome. Also called: Neoplastic Syndromes, Hereditary; Tumor predisposition; Hereditary Cancer Syndrome; Hereditary neoplastic syndrome. Identifiers: Orphanet 140162, MedGen C0027672, MeSH D009386, MONDO:0015356.
Ataxia-telangiectasia syndrome (AT). Also called: Ataxia-telangiectasia; Ataxia-telangiectasia, complementation group D; AT, COMPLEMENTATION GROUP C; Ataxia-telangiectasia, complementation group E; LOUIS-BAR SYNDROME; Cerebello-oculocutaneous telangiectasia. Identifiers: Orphanet 100, MedGen C0004135, MONDO:0008840, OMIM 208900.

Submissions (2):

Labcorp Genetics (formerly Invitae), Labcorp
Classification: Uncertain significance for Ataxia-telangiectasia syndrome. Last evaluated: 2024-04-16. Review status: criteria provided, single submitter. Criteria: Invitae Variant Classification Sherloc (09022015). Collection method: clinical testing. Allele origin: germline.
Comment: This sequence change replaces alanine, which is neutral and non-polar, with threonine, which is neutral and polar, at codon 2466 of the ATM protein (p.Ala2466Thr). This variant is not present in population databases (gnomAD no frequency). This variant has not been reported in the literature in individuals affected with ATM-related conditions. An algorithm developed to predict the effect of missense changes on protein structure and function (PolyPhen-2) suggests that this variant is likely to be disruptive. In summary, the available evidence is currently insufficient to determine the role of this variant in disease. Therefore, it has been classified as a Variant of Uncertain Significance.

Ambry Genetics
Classification: Uncertain significance for Hereditary cancer-predisposing syndrome. Last evaluated: 2024-03-27. Review status: criteria provided, single submitter. Criteria: Ambry Variant Classification Scheme 2023. Collection method: clinical testing. Allele origin: germline.
Comment: The p.A2466T variant (also known as c.7396G>A), located in coding exon 49 of the ATM gene, results from a G to A substitution at nucleotide position 7396. The alanine at codon 2466 is replaced by threonine, an amino acid with similar properties. This amino acid position is highly conserved in available vertebrate species. In addition, the in silico prediction for this alteration is inconclusive. Based on the available evidence, the clinical significance of this alteration remains unclear.

NM_000051.4(ATM):c.7396G>A (p.Ala2466Thr)

Genes: ATM (ATM serine/threonine kinase; plus strand), C11orf65 (chromosome 11 open reading frame 65; minus strand). Cytogenetic location: 11q22.3.
Variant type: single nucleotide variant.
Coding change: c.7396G>A on transcript NM_000051.4 (MANE Select); coding-DNA position 7396, G replaced by A.
Protein change: p.Ala2466Thr; replaces alanine 2466 with threonine.
Molecular consequence: missense variant. On other transcripts: intron variant (2).
Genome position (GRCh38, 1-based): chr11:108,330,302, G>A. VCF-style: chr11-108330302-G-A. GRCh37 (hg19) VCF-style: chr11-108201029-G-A.
Other names: c.7396G>A, p.Ala2466Thr (NM_001351834.2); c.641-21231C>T (NM_001330368.2); c.*38+4918C>T (NM_001351110.2); short protein forms A2466T.
Identifiers: ClinVar variation 3324148 (VCV003324148.3).
Genomic context (GRCh38, chr11:108,330,302, plus strand): 5'-GAGTTGGATGAATTAGCCCTGCGTGCACTGAAAGAGGATCGTAAACGCTTCTTATGTAAA[G>A]CAGTTGAAAATTATATCAACTGCTTATTAAGTGGAGAAGAACATGATATGTGGGTATTCC-3'
Protein context (NP_000042.3, residues 2456-2476): KEDRKRFLCK[Ala2466Thr]VENYINCLLS